The following is an entry in ClinVar:

ClinVar aggregate classification (germline): Uncertain significance (1 of 4 stars; one submission).

Conditions:
Paget disease of bone 2, early-onset (PDB2). Also called: Paget disease of bone 2. Identifiers: MedGen C4085251, MONDO:0011183, OMIM 602080.
Frontotemporal dementia and/or amyotrophic lateral sclerosis 1 (FTDALS1). Also called: C9orf72 Frontotemporal Dementia and/or Amyotrophic Lateral Sclerosis; Frontotemporal dementia with motor neuron disease 1. Identifiers: Orphanet 275872, MedGen C5779877, MONDO:0007105, OMIM 105550.

Submission:

Labcorp Genetics (formerly Invitae), Labcorp
Classification: Uncertain significance for Paget disease of bone 2, early-onset; Frontotemporal dementia and/or amyotrophic lateral sclerosis 1. Last evaluated: 2022-08-09. Review status: criteria provided, single submitter. Criteria: Invitae Variant Classification Sherloc (09022015). Collection method: clinical testing. Allele origin: germline.
Comment: In summary, the available evidence is currently insufficient to determine the role of this variant in disease. Therefore, it has been classified as a Variant of Uncertain Significance. Variants that disrupt the consensus splice site are a relatively common cause of aberrant splicing (PMID: 17576681, 9536098). Algorithms developed to predict the effect of sequence changes on RNA splicing suggest that this variant may disrupt the consensus splice site. ClinVar contains an entry for this variant (Variation ID: 1420800). This variant has not been reported in the literature in individuals affected with SQSTM1-related conditions. This variant is not present in population databases (gnomAD no frequency). This sequence change affects codon 323 of the SQSTM1 mRNA. It is a 'silent' change, meaning that it does not change the encoded amino acid sequence of the SQSTM1 protein. This variant also falls at the last nucleotide of exon 6, which is part of the consensus splice site for this exon.

Literature cited by the submitters: PubMed 17576681; PubMed 9536098.

NM_003900.5(SQSTM1):c.969G>A (p.Glu323=)

Gene: SQSTM1 (sequestosome 1; plus strand). Cytogenetic location: 5q35.3.
Variant type: single nucleotide variant.
Coding change: c.969G>A on transcript NM_003900.5 (MANE Select); coding-DNA position 969, G replaced by A.
Protein change: p.Glu323=; no amino-acid change (glutamic acid 323 retained).
Molecular consequence: synonymous variant.
Genome position (GRCh38, 1-based): chr5:179,833,246, G>A. VCF-style: chr5-179833246-G-A. GRCh37 (hg19) VCF-style: chr5-179260246-G-A.
Other names: c.717G>A, p.Glu239= (NM_001142298.2, NM_001142299.2).
Identifiers: ClinVar variation 1420800 (VCV001420800.6), dbSNP rs2113511316, ClinGen allele CA448381786.
Genomic context (GRCh38, chr5:179,833,246, plus strand): 5'-CACGCAGTCTCTGGCGGAGCAGATGAGGAAGATCGCCTTGGAGTCCGAGGGGCGCCCTGA[G>A]GCAAGCCTGTGCCCCTCCCGCCACCTGGGACCACGGCCAGCCTAGTGATCTGTGGCCTGC-3'
Protein context (NP_003891.1, residues 313-333): KIALESEGRP[Glu323=]EQMESDNCSG